The following is an entry in ClinVar:

NM_021167.5(GATAD1):c.31G>A (p.Val11Ile)

Genes: GATAD1 (GATA zinc finger domain containing 1; plus strand), LOC129998793 (ATAC-STARR-seq lymphoblastoid silent region 18371; plus strand). Cytogenetic location: 7q21.2.
Variant type: single nucleotide variant.
Coding change: c.31G>A on transcript NM_021167.5 (MANE Select); coding-DNA position 31, G replaced by A.
Protein change: p.Val11Ile; replaces valine 11 with isoleucine.
Molecular consequence: missense variant. On other transcripts: non-coding transcript variant (1).
Genome position (GRCh38, 1-based): chr7:92,447,760, G>A. VCF-style: chr7-92447760-G-A. GRCh37 (hg19) VCF-style: chr7-92077074-G-A.
Other names: short protein forms V11I.
Identifiers: ClinVar variation 1728792 (VCV001728792.4), dbSNP rs1291588606, ClinGen allele CA368154554.
Genomic context (GRCh38, chr7:92,447,760, plus strand): 5'-CGCCCGCGGGGGCCGCCCGAGCCGGCCACCATGCCGCTGGGCCTGAAGCCCACCTGCAGC[G>A]TATGCAAGACCACGTCGTCCTCCATGTGGAAGAAGGGAGCGCAGGGGGAGATCCTCTGCC-3'
Protein context (NP_066990.3, residues 1-21): MPLGLKPTCS[Val11Ile]CKTTSSSMWK

ClinVar aggregate classification (germline): Uncertain significance. Review status: criteria provided, multiple submitters, no conflicts (2 of 4 stars). 2 submissions from 2 submitters: Uncertain significance (2). Last evaluated 2025-06-11.

Conditions:
Cardiovascular phenotype. Identifiers: MedGen CN230736.
Dilated cardiomyopathy 2B. Identifiers: Orphanet 154, MedGen C3553409, MONDO:0013848, OMIM 614672.

Allele frequency attached by ClinVar (database versions not stated): TOPMed below 0.00001.
gnomAD v4.1: 5 of 1,499,050 alleles (0.00033%); highest among the groups gnomAD compares: South Asian, 0.0012%; no homozygotes.

Submissions (2):

Labcorp Genetics (formerly Invitae), Labcorp
Classification: Uncertain significance for Dilated cardiomyopathy 2B. Last evaluated: 2025-06-11. Review status: criteria provided, single submitter. Criteria: Invitae Variant Classification Sherloc (09022015). Collection method: clinical testing. Allele origin: germline.
Comment: This sequence change replaces valine, which is neutral and non-polar, with isoleucine, which is neutral and non-polar, at codon 11 of the GATAD1 protein (p.Val11Ile). This variant is not present in population databases (gnomAD no frequency). This variant has not been reported in the literature in individuals affected with GATAD1-related conditions. ClinVar contains an entry for this variant (Variation ID: 1728792). Invitae Evidence Modeling of protein sequence and biophysical properties (such as structural, functional, and spatial information, amino acid conservation, physicochemical variation, residue mobility, and thermodynamic stability) indicates that this missense variant is not expected to disrupt GATAD1 protein function with a negative predictive value of 80%. In summary, the available evidence is currently insufficient to determine the role of this variant in disease. Therefore, it has been classified as a Variant of Uncertain Significance.

Ambry Genetics
Classification: Uncertain significance for Cardiovascular phenotype. Last evaluated: 2025-05-06. Review status: criteria provided, single submitter. Criteria: Ambry Variant Classification Scheme 2023. Collection method: clinical testing. Allele origin: germline.
Comment: The p.V11I variant (also known as c.31G>A), located in coding exon 1 of the GATAD1 gene, results from a G to A substitution at nucleotide position 31. The valine at codon 11 is replaced by isoleucine, an amino acid with highly similar properties. This amino acid position is well conserved in available vertebrate species. In addition, this alteration is predicted to be tolerated by in silico analysis. Since supporting evidence is limited at this time, the clinical significance of this alteration remains unclear.